The following is an entry in ClinVar:

NC_000019.10:g.(?_7522731)_(7528277_?)del

Genes: MCOLN1 (mucolipin TRP cation channel 1; plus strand), LOC130063376 (ATAC-STARR-seq lymphoblastoid silent region 9986; plus strand). Cytogenetic location: 19p13.2.
Variant type: Deletion.
Identifiers: ClinVar variation 528767 (VCV000528767.1).

ClinVar aggregate classification (germline): Pathogenic (1 of 4 stars; one submission).

Conditions:
Mucolipidosis type IV (ML4). Also called: ML IV. Identifiers: Orphanet 578, MedGen C0238286, MONDO:0009653, OMIM 252650.

Submission:

Labcorp Genetics (formerly Invitae), Labcorp
Classification: Pathogenic for Mucolipidosis type IV. Last evaluated: 2017-12-05. Review status: criteria provided, single submitter. Criteria: Invitae Variant Classification Sherloc (09022015). Collection method: clinical testing. Allele origin: germline.
Comment: This variant is a gross deletion of the genomic region encompassing exons 1-6 and the first 11 nucleotides of exon 7 of the MCOLN1 gene, including the intron 6-exon 7 boundary (c.-1012-788). This is expected to result in an absent or disrupted protein product. A similar variant has been found to be a common cause of mucolipidosis type IV in the Ashkenazi Jewish population (PMID: 11030752). Loss-of-function variants in MCOLN1 are known to be pathogenic (PMID: 11030752, 11317355). For these reasons, this variant has been classified as Pathogenic.

Literature cited by the submitters: PubMed 11030752.